The following is an entry in ClinVar:

NM_007294.4(BRCA1):c.1142A>G (p.Lys381Arg)

Gene: BRCA1 (BRCA1 DNA repair associated; minus strand). Cytogenetic location: 17q21.31.
Variant type: single nucleotide variant.
Coding change: c.1142A>G on transcript NM_007294.4 (MANE Select); coding-DNA position 1142, A replaced by G.
Protein change: p.Lys381Arg; replaces lysine 381 with arginine.
Molecular consequence: missense variant. On other transcripts: intron variant (137).
Genome position (GRCh38, 1-based): chr17:43,094,389, T>C on the plus strand (A>G on the coding strand, the complement: BRCA1 is on the minus strand). VCF-style: chr17-43094389-T-C. GRCh37 (hg19) VCF-style: chr17-41246406-T-C.
Other names: c.1016A>G, p.Lys339Arg (NM_001407670.1, NM_001407671.1, NM_001407672.1 and 11 more transcripts); c.1019A>G, p.Lys340Arg (NM_001407674.1, NM_001407675.1, NM_001407676.1 and 19 more transcripts); c.809A>G, p.Lys270Arg (NM_001407947.1, NM_001407948.1, NM_001407949.1 and 6 more transcripts); c.806A>G, p.Lys269Arg (NM_001407954.1, NM_001407955.1, NM_001407956.1 and 1 more transcripts); c.761A>G, p.Lys254Arg (NM_001407959.1, NM_001407960.1, NM_001407963.1); c.758A>G, p.Lys253Arg (NM_001407962.1); c.998A>G, p.Lys333Arg (NM_001407964.1, NM_001407740.1, NM_001407741.1 and 20 more transcripts); c.638A>G, p.Lys213Arg (NM_001407965.1); and 40 more; short protein forms K381R, K334R, K293R, K311R, K269R, K270R, K292R, K313R.
Identifiers: ClinVar variation 531242 (VCV000531242.19), dbSNP rs1555592379, ClinGen allele CA10599774.

ClinVar aggregate classification (germline): Conflicting classifications of pathogenicity. Review status: criteria provided, conflicting classifications (1 of 4 stars). 5 submissions from 5 submitters: Uncertain significance (4); Likely benign (1). Last evaluated 2023-08-31.

Conditions:
Hereditary cancer-predisposing syndrome. Also called: Hereditary neoplastic syndrome; Neoplastic Syndromes, Hereditary; Tumor predisposition; Hereditary Cancer Syndrome. Identifiers: Orphanet 140162, MedGen C0027672, MeSH D009386, MONDO:0015356.
Hereditary breast ovarian cancer syndrome. Also called: Hereditary breast and ovarian cancer syndrome (HBOC); BRCA1- and BRCA2-Associated Hereditary Breast and Ovarian Cancer; Hereditary breast and ovarian cancer syndrome; Breast and ovarian cancer; Hereditary breast and ovarian cancer; Hereditary breast and/or ovarian cancer syndrome. Identifiers: Orphanet 145, MedGen C0677776, MeSH D061325, MONDO:0003582. Disease mechanism: loss of function.

Submissions (5):

Women's Health and Genetics/Laboratory Corporation of America, LabCorp
Classification: Uncertain significance. Last evaluated: 2023-08-31. Review status: criteria provided, single submitter. Criteria: LabCorp Variant Classification Summary - May 2015. Collection method: clinical testing. Allele origin: germline.

University of Washington Department of Laboratory Medicine, University of Washington
Classification: Likely benign for Hereditary cancer-predisposing syndrome. Last evaluated: 2023-03-23. Review status: criteria provided, single submitter. Criteria: Dines et al. (Genet Med. 2020). Collection method: curation. Allele origin: germline.
Comment: Missense variant in a coldspot region where missense variants are very unlikely to be pathogenic (PMID:31911673).

BRCA1 coldspot (exon 11 using historical exon numbering). Reclassification based on statistical prior probability

Labcorp Genetics (formerly Invitae), Labcorp
Classification: Uncertain significance for Hereditary breast ovarian cancer syndrome. Last evaluated: 2023-01-20. Review status: criteria provided, single submitter. Criteria: Invitae Variant Classification Sherloc (09022015). Collection method: clinical testing. Allele origin: germline.
Comment: This sequence change replaces lysine, which is basic and polar, with arginine, which is basic and polar, at codon 381 of the BRCA1 protein (p.Lys381Arg). This variant is not present in population databases (gnomAD no frequency). In summary, the available evidence is currently insufficient to determine the role of this variant in disease. Therefore, it has been classified as a Variant of Uncertain Significance. Algorithms developed to predict the effect of missense changes on protein structure and function output the following: SIFT: "Tolerated"; PolyPhen-2: "Possibly Damaging"; Align-GVGD: "Class C0". The arginine amino acid residue is found in multiple mammalian species, which suggests that this missense change does not adversely affect protein function. ClinVar contains an entry for this variant (Variation ID: 531242). This variant has not been reported in the literature in individuals affected with BRCA1-related conditions.

Color Diagnostics, LLC DBA Color Health
Classification: Uncertain significance for Hereditary cancer-predisposing syndrome. Last evaluated: 2022-11-22. Review status: criteria provided, single submitter. Criteria: ACMG Guidelines, 2015. Collection method: clinical testing. Allele origin: germline.
Comment: This missense variant replaces lysine with arginine at codon 381 of the BRCA1 protein. Computational prediction suggests that this variant may have deleterious impact on protein structure and function (internally defined REVEL score threshold >= 0.7, PMID: 27666373). To our knowledge, functional studies have not been reported for this variant. This variant has not been reported in individuals affected with BRCA1-related disorders in the literature. This variant has not been identified in the general population by the Genome Aggregation Database (gnomAD). The available evidence is insufficient to determine the role of this variant in disease conclusively. Therefore, this variant is classified as a Variant of Uncertain Significance.

GeneDx
Classification: Uncertain significance. Last evaluated: 2019-05-16. Review status: criteria provided, single submitter. Criteria: GeneDx Variant Classification Process June 2021. Collection method: clinical testing. Allele origin: germline. Affected: yes.
Comment: Not observed in large population cohorts (Lek et al., 2016); In silico analysis, which includes protein predictors and evolutionary conservation, supports a deleterious effect; Has not been previously published as pathogenic or benign to our knowledge